The following is an entry in ClinVar:

ClinVar aggregate classification (germline): Uncertain significance (1 of 4 stars; one submission).

Allele frequency attached by ClinVar (database versions not stated): gnomAD exomes below 0.00001; ExAC 0.00001; gnomAD 0.00001; TOPMed 0.00001.
gnomAD v4.1: 5 of 1,614,066 alleles (0.00031%); highest among the groups gnomAD compares: Non-Finnish European, 0.00042%; no homozygotes.

Submission:

Mayo Clinic Laboratories, Mayo Clinic
Classification: Uncertain significance. Last evaluated: 2023-04-13. Review status: criteria provided, single submitter. Criteria: ACMG Guidelines, 2015. Collection method: clinical testing. Allele origin: germline. Observed: 1 variant allele.
Comment: BP4, PM2_supporting

NM_013352.4(DSE):c.2192T>C (p.Ile731Thr)

Gene: DSE (dermatan sulfate epimerase; plus strand). Cytogenetic location: 6q22.1.
Variant type: single nucleotide variant.
Coding change: c.2192T>C on transcript NM_013352.4 (MANE Select); coding-DNA position 2192, T replaced by C.
Protein change: p.Ile731Thr; replaces isoleucine 731 with threonine.
Molecular consequence: missense variant. On other transcripts: 3 prime UTR variant (2), non-coding transcript variant (1).
Genome position (GRCh38, 1-based): chr6:116,436,660, T>C. VCF-style: chr6-116436660-T-C. GRCh37 (hg19) VCF-style: chr6-116757823-T-C.
Other names: p.Ile731Thr; c.2192T>C, p.Ile731Thr (NM_001080976.3, NM_001322937.2, NM_001322938.2); c.2249T>C, p.Ile750Thr (NM_001322939.2); c.1631T>C, p.Ile544Thr (NM_001322940.2, NM_001322941.2); c.*1057T>C (NM_001322943.2, NM_001322944.2); c.1193T>C, p.Ile398Thr (NM_001374520.1); c.1157T>C, p.Ile386Thr (NM_001374521.1); short protein forms I386T, I398T, I544T, I731T, I750T.
Identifiers: ClinVar variation 2682950 (VCV002682950.1), dbSNP rs746129064, ClinGen allele CA3969778.